The following is an entry in ClinVar:

ClinVar aggregate classification (germline): Uncertain significance (1 of 4 stars; one submission).

Submission:

Women's Health and Genetics/Laboratory Corporation of America, LabCorp
Classification: Uncertain significance. Last evaluated: 2026-05-20. Review status: criteria provided, single submitter. Criteria: LabCorp Variant Classification Summary - May 2015. Collection method: clinical testing. Allele origin: germline.
Comment: Variant summary: ANAPC1 c.3328C>T (p.Arg1110Cys) results in a non-conservative amino acid change in the encoded protein sequence. Algorithms developed to predict the effect of missense changes on protein structure and function are either unavailable or do not agree on the potential impact of this missense change. Consensus agreement among computation tools predict no significant impact on normal splicing. However, these predictions have yet to be confirmed by functional studies. The variant allele was found at a frequency of 0.024 in 6286 control chromosomes, predominantly at a frequency of 0.081 within the African or African-American subpopulation in the gnomAD database. The available data on variant occurrences in the general population are insufficient to allow any conclusion about variant significance. To our knowledge, no occurrence of c.3328C>T in individuals affected with ANAPC1-related conditions and no experimental evidence demonstrating its impact on protein function have been reported. No submitters have cited clinical-significance assessments for this variant to ClinVar. Based on the evidence outlined above, the variant was classified as uncertain significance.

NM_022662.4(ANAPC1):c.3328C>T (p.Arg1110Cys)

Gene: ANAPC1 (anaphase promoting complex subunit 1; minus strand). Cytogenetic location: 2q13.
Variant type: single nucleotide variant.
Coding change: c.3328C>T on transcript NM_022662.4 (MANE Select); coding-DNA position 3328, C replaced by T.
Protein change: p.Arg1110Cys; replaces arginine 1110 with cysteine.
Molecular consequence: missense variant.
Genome position (GRCh38, 1-based): chr2:111,815,639, G>A on the plus strand (C>T on the coding strand, the complement: ANAPC1 is on the minus strand). VCF-style: chr2-111815639-G-A. GRCh37 (hg19) VCF-style: chr2-112573216-G-A.
Other names: short protein forms R1110C.
Identifiers: ClinVar variation 4853757 (VCV004853757.1).